The following is an entry in ClinVar:

ClinVar aggregate classification (germline): Pathogenic (1 of 4 stars; one submission).

Conditions:
Usher syndrome type 1C. Also called: USHER SYNDROME, TYPE I, ACADIAN VARIETY. Identifiers: Orphanet 231169, Orphanet 886, MedGen C1848604, MONDO:0010171, OMIM 276904.

Submission:

Myriad Genetics, Inc.
Classification: Pathogenic for Usher syndrome type 1C. Last evaluated: 2023-09-05. Review status: criteria provided, single submitter. Criteria: Myriad Autosomal Dominant, Autosomal Recessive and X-Linked Classification Criteria (2023). Collection method: clinical testing. Allele origin: unknown.
Comment: NM_005709.3(USH1C):c.567delG(S190Rfs*28) is expected to be pathogenic in the context of USH1C-related disorders. This variant is predicted to lead to an abnormal or absent protein product due to the creation of a premature termination codon in USH1C, a gene where loss-of-function variants are known to be pathogenic. Please note: this variant was assessed in the context of healthy population screening.

NM_153676.4(USH1C):c.567del (p.Ser190fs)

Gene: USH1C (USH1 protein network component harmonin; minus strand). Cytogenetic location: 11p15.1.
Variant type: Deletion.
Coding change: c.567del on transcript NM_153676.4 (MANE Select); coding-DNA position 567, one base deleted (G; older notation c.567delG).
Protein change: p.Ser190fs; shifts the reading frame from serine 190.
Molecular consequence: frameshift variant. On other transcripts: non-coding transcript variant (1).
Genome position (GRCh38, 1-based): chr11:17,526,765, C deleted on the plus strand (G on the coding strand, the reverse complement: USH1C is on the minus strand). VCF-style (leftmost placement, unchanged base first): chr11-17526764-AC-A. GRCh37 (hg19) VCF-style: chr11-17548311-AC-A.
Other names: c.567del, p.Ser190fs (NM_001297764.2, NM_001440680.1, NM_001440681.1 and 5 more transcripts); c.600del, p.Ser201fs (NM_001440679.1, NM_001440684.1, NM_001440686.1); short protein forms S190fs, S201fs.
Identifiers: ClinVar variation 5011556 (VCV005011556.1).
Genomic context (GRCh38, chr11:17,526,764, plus strand): 5'-CTTGAAGATGACCCCACCCAAACCCCATCACAGGAGGTCTGGCCCTTACCCCAGATTCCG[AC>A]ACAAACTGATCCACATACTGCCAAGTGAGGGGCTCATCAGGAGAGCTGATGGGAAGGGAA-3'